The following is an entry in ClinVar:

NM_030787.4(CFHR5):c.986_988del (p.Lys329del)

Gene: CFHR5 (complement factor H related 5; plus strand). Cytogenetic location: 1q31.3.
Variant type: Deletion.
Coding change: c.986_988del on transcript NM_030787.4 (MANE Select); coding-DNA positions 986 to 988, 3 bases deleted (AGA; older notation c.986_988delAGA).
Protein change: p.Lys329del; deletes lysine 329.
Molecular consequence: inframe deletion.
Genome position (GRCh38, 1-based): chr1:196,998,143-196,998,145, AGA deleted; deleting any 3 consecutive bases within chr1:196,998,142-196,998,145 gives the same sequence; the c. name uses the placement nearest the transcript's 3' end. VCF-style (leftmost placement, unchanged base first): chr1-196998141-TAAG-T. GRCh37 (hg19) VCF-style: chr1-196967271-TAAG-T.
Other names: c.986_988delAGA (NM_030787.3); c.986_988del (NM_030787.3); short protein forms K329del.
Identifiers: ClinVar variation 1163774 (VCV001163774.10), dbSNP rs752782146, ClinGen allele CA1307935.

ClinVar aggregate classification (germline): Uncertain significance. Review status: criteria provided, multiple submitters, no conflicts (2 of 4 stars). 2 submissions from 2 submitters: Uncertain significance (2). Last evaluated 2025-10-27.

Submissions (2):

Labcorp Genetics (formerly Invitae), Labcorp
Classification: Uncertain significance. Last evaluated: 2025-10-27. Review status: criteria provided, single submitter. Criteria: Invitae Variant Classification Sherloc (09022015). Collection method: clinical testing. Allele origin: germline.
Comment: This variant, c.986_988del, results in the deletion of 1 amino acid(s) of the CFHR5 protein (p.Lys329del), but otherwise preserves the integrity of the reading frame. This variant is present in population databases (rs752782146, gnomAD 0.07%), and has an allele count higher than expected for a pathogenic variant. This variant has not been reported in the literature in individuals affected with CFHR5-related conditions. ClinVar contains an entry for this variant (Variation ID: 1163774). Algorithms developed to predict the effect of sequence changes on RNA splicing suggest that this variant may disrupt the consensus splice site. In summary, the available evidence is currently insufficient to determine the role of this variant in disease. Therefore, it has been classified as a Variant of Uncertain Significance.

Mayo Clinic Laboratories, Mayo Clinic
Classification: Uncertain significance. Last evaluated: 2021-08-20. Review status: criteria provided, single submitter. Criteria: ACMG Guidelines, 2015. Collection method: clinical testing. Allele origin: germline.